The following is an entry in ClinVar:

ClinVar aggregate classification (germline): Uncertain significance (1 of 4 stars; one submission).

Allele frequency attached by ClinVar (database versions not stated): gnomAD 0.00001; TOPMed 0.00001; gnomAD exomes 0.00002; ExAC 0.00004.
gnomAD v4.1: 27 of 1,613,884 alleles (0.0017%); highest among the groups gnomAD compares: Middle Eastern, 0.016%; no homozygotes.

Submission:

Labcorp Genetics (formerly Invitae), Labcorp
Classification: Uncertain significance. Last evaluated: 2022-05-14. Review status: criteria provided, single submitter. Criteria: Invitae Variant Classification Sherloc (09022015). Collection method: clinical testing. Allele origin: germline.
Comment: This sequence change replaces glycine, which is neutral and non-polar, with arginine, which is basic and polar, at codon 2231 of the VPS13A protein (p.Gly2231Arg). This variant is present in population databases (rs574905172, gnomAD 0.02%). This variant has not been reported in the literature in individuals affected with VPS13A-related conditions. Algorithms developed to predict the effect of missense changes on protein structure and function are either unavailable or do not agree on the potential impact of this missense change (SIFT: "Tolerated"; PolyPhen-2: "Probably Damaging"; Align-GVGD: "Class C0"). In summary, the available evidence is currently insufficient to determine the role of this variant in disease. Therefore, it has been classified as a Variant of Uncertain Significance.

NM_033305.3(VPS13A):c.6691G>A (p.Gly2231Arg)

Gene: VPS13A (vacuolar protein sorting 13 homolog A; plus strand). Cytogenetic location: 9q21.2.
Variant type: single nucleotide variant.
Coding change: c.6691G>A on transcript NM_033305.3 (MANE Select); coding-DNA position 6691, G replaced by A.
Protein change: p.Gly2231Arg; replaces glycine 2231 with arginine.
Molecular consequence: missense variant.
Genome position (GRCh38, 1-based): chr9:77,339,828, G>A. VCF-style: chr9-77339828-G-A. GRCh37 (hg19) VCF-style: chr9-79954744-G-A.
Other names: c.6574G>A, p.Gly2192Arg (NM_001018037.2); c.6691G>A, p.Gly2231Arg (NM_001018038.3, NM_015186.4); short protein forms G2192R, G2231R.
Identifiers: ClinVar variation 2199906 (VCV002199906.1), dbSNP rs574905172, ClinGen allele CA5093087.